The following is an entry in ClinVar:

NM_001256071.3(RNF213):c.6032T>C (p.Met2011Thr)

Gene: RNF213 (ring finger protein 213; plus strand). Cytogenetic location: 17q25.3.
Variant type: single nucleotide variant.
Coding change: c.6032T>C on transcript NM_001256071.3 (MANE Select); coding-DNA position 6032, T replaced by C.
Protein change: p.Met2011Thr; replaces methionine 2011 with threonine.
Molecular consequence: missense variant.
Genome position (GRCh38, 1-based): chr17:80,343,174, T>C. VCF-style: chr17-80343174-T-C. GRCh37 (hg19) VCF-style: chr17-78316974-T-C.
Other names: p.Met2011Thr; short protein forms M2011T.
Identifiers: ClinVar variation 784367 (VCV000784367.10), dbSNP rs78457838, ClinGen allele CA8820423.

ClinVar aggregate classification (germline): Benign. Review status: criteria provided, multiple submitters, no conflicts (2 of 4 stars). 4 submissions from 4 submitters: Benign (4). Last evaluated 2025-12-17.

Conditions:
RNF213-related disorder. Also called: RNF213-related condition.

Allele frequency attached by ClinVar (database versions not stated): gnomAD exomes 0.00103 and 0.00258; ExAC 0.00309; gnomAD 0.01068 and 0.01146; ESP Exome Variant Server 0.01184; 1000 Genomes Project 0.01198; 1000 Genomes Project 30x 0.01234; TOPMed 0.01235.
gnomAD v4.1: 3,197 of 1,614,050 alleles (0.2%); highest among the groups gnomAD compares: African/African-American, 3.6%; 62 homozygotes.

Submissions (4):

Labcorp Genetics (formerly Invitae), Labcorp
Classification: Benign. Last evaluated: 2025-12-17. Review status: criteria provided, single submitter. Criteria: Invitae Variant Classification Sherloc (09022015). Collection method: clinical testing. Allele origin: germline.

PreventionGenetics, part of Exact Sciences
Classification: Benign for RNF213-related condition. Last evaluated: 2025-04-02. Review status: criteria provided, single submitter. Criteria: ACMG Guidelines, 2015. Collection method: clinical testing. Allele origin: germline.
Comment: This variant is classified as benign based on ACMG/AMP sequence variant interpretation guidelines (Richards et al. 2015 PMID: 25741868, with internal and published modifications).

Mayo Clinic Laboratories, Mayo Clinic
Classification: Benign. Last evaluated: 2023-04-27. Review status: criteria provided, single submitter. Criteria: ACMG Guidelines, 2015. Collection method: clinical testing. Allele origin: germline. Observed: 6 variant alleles.
Comment: BS1, BS2, BP4

Breakthrough Genomics
Classification: Benign. Review status: criteria provided, single submitter. Criteria: ACMG Guidelines, 2015. Collection method: not provided. Allele origin: germline. Inheritance: Autosomal dominant inheritance. Affected: yes.